The following is an entry in ClinVar:

NM_004329.3(BMPR1A):c.192_193del (p.Gly65fs)

Gene: BMPR1A (bone morphogenetic protein receptor type 1A; plus strand). Cytogenetic location: 10q23.2.
Variant type: Deletion.
Coding change: c.192_193del on transcript NM_004329.3 (MANE Select); coding-DNA positions 192 to 193, 2 bases deleted (AG; older notation c.192_193delAG).
Protein change: p.Gly65fs; shifts the reading frame from glycine 65.
Molecular consequence: frameshift variant.
Genome position (GRCh38, 1-based): chr10:86,890,186-86,890,187, AG deleted. VCF-style (leftmost placement, unchanged base first): chr10-86890185-CAG-C. GRCh37 (hg19) VCF-style: chr10-88649942-CAG-C.
Other names: c.192_193delAG, p.Gly65Alafs (NM_001406559.1, NM_001406560.1, NM_001406561.1 and 23 more transcripts); c.108_109delAG, p.Gly37Alafs (NM_001406584.1, NM_001406585.1, NM_001406586.1 and 2 more transcripts); short protein forms G65fs.
Identifiers: ClinVar variation 2028430 (VCV002028430.4), dbSNP rs2539432575, ClinGen allele CA2580082079.

ClinVar aggregate classification (germline): Pathogenic (1 of 4 stars; one submission).

Conditions:
Juvenile polyposis syndrome (JPS). Identifiers: Orphanet 2929, MedGen C0345893, MONDO:0017380, OMIM 174900.

Submission:

Labcorp Genetics (formerly Invitae), Labcorp
Classification: Pathogenic for Juvenile polyposis syndrome. Last evaluated: 2022-09-01. Review status: criteria provided, single submitter. Criteria: Invitae Variant Classification Sherloc (09022015). Collection method: clinical testing. Allele origin: germline.
Comment: This sequence change creates a premature translational stop signal (p.Gly65Alafs*5) in the BMPR1A gene. It is expected to result in an absent or disrupted protein product. Loss-of-function variants in BMPR1A are known to be pathogenic (PMID: 11536076, 12417513). For these reasons, this variant has been classified as Pathogenic. This variant has not been reported in the literature in individuals affected with BMPR1A-related conditions. This variant is not present in population databases (gnomAD no frequency).

Literature cited by the submitters: PubMed 11536076; PubMed 12417513.